The following is an entry in ClinVar:

ClinVar aggregate classification (germline): Pathogenic (1 of 4 stars; one submission).

Conditions:
LAMA2-related disorder. Also called: LAMA2-related condition; LAMA2-related disorders.

Submission:

3billion
Classification: Pathogenic for LAMA2-related disorder. Last evaluated: 2025-02-18. Review status: criteria provided, single submitter. Criteria: ACMG Guidelines, 2015. Collection method: clinical testing. Allele origin: germline. Affected: yes.
Comment: The variant is not observed in the gnomAD v4.1.0 dataset. Predicted Consequence/Location: Frameshift: predicted to result in a loss or disruption of normal protein function through nonsense-mediated decay (NMD) or protein truncation. Multiple pathogenic variants are reported downstream of the variant. Therefore, this variant is classified as Pathogenic according to the recommendation of ACMG/AMP guideline.

NM_000426.4(LAMA2):c.7648del (p.Ile2550fs)

Gene: LAMA2 (laminin subunit alpha 2; plus strand). Cytogenetic location: 6q22.33.
Variant type: Deletion.
Coding change: c.7648del on transcript NM_000426.4 (MANE Select); coding-DNA position 7648, one base deleted (A; older notation c.7648delA).
Protein change: p.Ile2550fs; shifts the reading frame from isoleucine 2550.
Molecular consequence: frameshift variant.
Genome position (GRCh38, 1-based): chr6:129,481,338, A deleted; the last of 3 consecutive A bases (chr6:129,481,336-129,481,338); deleting any one gives the same sequence. VCF-style (leftmost placement, unchanged base first): chr6-129481335-GA-G. GRCh37 (hg19) VCF-style: chr6-129802480-GA-G.
Other names: c.7636del, p.Ile2546fs (NM_001079823.2); short protein forms I2546fs, I2550fs.
Identifiers: ClinVar variation 4292325 (VCV004292325.1).
Genomic context (GRCh38, chr6:129,481,335, plus strand): 5'-GTTAGCTTTCCTAAGCCTGGTTTTGTGGAGCTCTCCCCTGTGCCAATTGATGTAGGAACA[GA>G]AATCAACCTGTCATTCAGCACCAAGAATGAGTCCGGCATCATTCTTTTGGGAAGTGGAGG-3'